The following is an entry in ClinVar:

ClinVar aggregate classification (germline): Uncertain significance (1 of 4 stars; one submission).

Conditions:
Developmental and epileptic encephalopathy, 34 (DEE34). Also called: Early infantile epileptic encephalopathy 34; SLC12A5-Related Epilepsy of Infancy with Migrating Focal Seizures. Identifiers: Orphanet 293181, MedGen C4225257, MONDO:0014718, OMIM 616645.

gnomAD v4.1: 7 of 1,556,384 alleles (0.00045%); highest among the groups gnomAD compares: Non-Finnish European, 0.0006%; no homozygotes.

Submission:

Labcorp Genetics (formerly Invitae), Labcorp
Classification: Uncertain significance for Developmental and epileptic encephalopathy, 34. Last evaluated: 2021-09-02. Review status: criteria provided, single submitter. Criteria: Invitae Variant Classification Sherloc (09022015). Collection method: clinical testing. Allele origin: germline.
Comment: This sequence change replaces isoleucine with threonine at codon 792 of the SLC12A5 protein (p.Ile792Thr). The isoleucine residue is moderately conserved and there is a moderate physicochemical difference between isoleucine and threonine. This variant is present in population databases (rs769820337, ExAC 0.002%). This variant has not been reported in the literature in individuals affected with SLC12A5-related conditions. Algorithms developed to predict the effect of missense changes on protein structure and function (SIFT, PolyPhen-2, Align-GVGD) all suggest that this variant is likely to be tolerated. In summary, the available evidence is currently insufficient to determine the role of this variant in disease. Therefore, it has been classified as a Variant of Uncertain Significance.

NM_020708.5(SLC12A5):c.2375T>C (p.Ile792Thr)

Gene: SLC12A5 (solute carrier family 12 member 5; plus strand). Cytogenetic location: 20q13.12.
Variant type: single nucleotide variant.
Coding change: c.2375T>C on transcript NM_020708.5 (MANE Select); coding-DNA position 2375, T replaced by C.
Protein change: p.Ile792Thr; replaces isoleucine 792 with threonine.
Molecular consequence: missense variant.
Genome position (GRCh38, 1-based): chr20:46,051,868, T>C. VCF-style: chr20-46051868-T-C. GRCh37 (hg19) VCF-style: chr20-44680507-T-C.
Other names: c.2444T>C, p.Ile815Thr (NM_001134771.2); short protein forms I815T, I792T.
Identifiers: ClinVar variation 659448 (VCV000659448.8), dbSNP rs769820337, ClinGen allele CA9887579.